The following is an entry in ClinVar:

NM_182914.3(SYNE2):c.13022A>G (p.Gln4341Arg)

Gene: SYNE2 (spectrin repeat containing nuclear envelope protein 2; plus strand). Cytogenetic location: 14q23.2.
Variant type: single nucleotide variant.
Coding change: c.13022A>G on transcript NM_182914.3 (MANE Select); coding-DNA position 13022, A replaced by G.
Protein change: p.Gln4341Arg; replaces glutamine 4341 with arginine.
Molecular consequence: missense variant.
Genome position (GRCh38, 1-based): chr14:64,119,608, A>G. VCF-style: chr14-64119608-A-G. GRCh37 (hg19) VCF-style: chr14-64586326-A-G.
Other names: c.13022A>G, p.Gln4341Arg (NM_015180.6); short protein forms Q4341R.
Identifiers: ClinVar variation 1421720 (VCV001421720.7), dbSNP rs773368959, ClinGen allele CA7222306.
Genomic context (GRCh38, chr14:64,119,608, plus strand): 5'-CAGTGAAGTGCAATTTAGAAAAAGTCCAGATGATGCTTCAGGAGAAGCACAGTGAAGATC[A>G]GGTAAAAAATGACTATCTATGGACATTCATCTTGATACACATATGTGGCAGACCTGCCAG-3'
Protein context (NP_878918.2, residues 4331-4351): MMLQEKHSED[Gln4341Arg]HPTILKKSSE

ClinVar aggregate classification (germline): Uncertain significance (1 of 4 stars; one submission).

Conditions:
Emery-Dreifuss muscular dystrophy 5, autosomal dominant (EDMD5). Also called: EMERY-DREIFUSS MUSCULAR DYSTROPHY 5. Identifiers: Orphanet 261, MedGen C2751805, MONDO:0013072, OMIM 612999.

Allele frequency attached by ClinVar (database versions not stated): gnomAD exomes below 0.00001; ExAC 0.00001.
gnomAD v4.1: 5 of 1,614,096 alleles (0.00031%); highest among the groups gnomAD compares: East Asian, 0.0089%; no homozygotes.

Submissions (2):

Labcorp Genetics (formerly Invitae), Labcorp
Classification: Uncertain significance for Emery-Dreifuss muscular dystrophy 5, autosomal dominant. Last evaluated: 2022-10-24. Review status: criteria provided, single submitter. Criteria: Invitae Variant Classification Sherloc (09022015). Collection method: clinical testing. Allele origin: germline.
Comment: This variant has not been reported in the literature in individuals affected with SYNE2-related conditions. This sequence change replaces glutamine, which is neutral and polar, with arginine, which is basic and polar, at codon 4341 of the SYNE2 protein (p.Gln4341Arg). This variant is present in population databases (rs773368959, gnomAD 0.006%). ClinVar contains an entry for this variant (Variation ID: 1421720). Algorithms developed to predict the effect of missense changes on protein structure and function are either unavailable or do not agree on the potential impact of this missense change (SIFT: "Tolerated"; PolyPhen-2: "Possibly Damaging"; Align-GVGD: "Class C0"). Algorithms developed to predict the effect of sequence changes on RNA splicing suggest that this variant may disrupt the consensus splice site. In summary, the available evidence is currently insufficient to determine the role of this variant in disease. Therefore, it has been classified as a Variant of Uncertain Significance.

Dr. Peter K. Rogan Lab, Western University
No classification provided (evidence only). Condition: Colon adenocarcinoma. Review status: no classification provided. Collection method: in vitro. Allele origin: not applicable. Functional consequence: retained intron. Not counted in ClinVar's aggregate classification.